The following is an entry in ClinVar:

ClinVar aggregate classification (germline): Uncertain significance (1 of 4 stars; one submission).

Conditions:
Hereditary cancer-predisposing syndrome. Also called: Neoplastic Syndromes, Hereditary; Tumor predisposition; Hereditary Cancer Syndrome; Hereditary neoplastic syndrome. Identifiers: Orphanet 140162, MedGen C0027672, MeSH D009386, MONDO:0015356.

gnomAD v4.1: 1 of 1,612,494 alleles (0.000062%); highest among the groups gnomAD compares: Non-Finnish European, 0.000085%; no homozygotes.

Submission:

Ambry Genetics
Classification: Uncertain significance for Hereditary cancer-predisposing syndrome. Last evaluated: 2024-12-07. Review status: criteria provided, single submitter. Criteria: Ambry Variant Classification Scheme 2023. Collection method: clinical testing. Allele origin: germline.
Comment: The p.V282A variant (also known as c.845T>C), located in coding exon 4 of the RET gene, results from a T to C substitution at nucleotide position 845. The valine at codon 282 is replaced by alanine, an amino acid with similar properties. This amino acid position is conserved. In addition, this alteration is predicted to be tolerated by in silico analysis. Based on the available evidence, the clinical significance of this variant remains unclear.

NM_020975.6(RET):c.845T>C (p.Val282Ala)

Gene: RET (ret proto-oncogene; plus strand). Cytogenetic location: 10q11.21.
Variant type: single nucleotide variant.
Coding change: c.845T>C on transcript NM_020975.6 (MANE Select); coding-DNA position 845, T replaced by C.
Protein change: p.Val282Ala; replaces valine 282 with alanine.
Molecular consequence: missense variant. On other transcripts: intron variant (22).
Genome position (GRCh38, 1-based): chr10:43,105,171, T>C. VCF-style: chr10-43105171-T-C. GRCh37 (hg19) VCF-style: chr10-43600619-T-C.
Other names: c.83T>C, p.Val28Ala (NM_001355216.2); c.845T>C, p.Val282Ala (NM_001406743.1, NM_001406744.1, NM_001406759.1 and 6 more transcripts); c.716T>C, p.Val239Ala (NM_001406761.1, NM_001406762.1, NM_001406764.1 and 2 more transcripts); c.557T>C, p.Val186Ala (NM_001406766.1, NM_001406767.1, NM_001406770.1); c.625+2542T>C (NM_001406773.1, NM_001406771.1, NM_001406782.1 and 5 more transcripts); c.496+2542T>C (NM_001406786.1, NM_001406783.1); c.338-3860T>C (NM_001406778.1, NM_001406775.1, NM_001406776.1 and 1 more transcripts); c.337+4449T>C (NM_001406790.1, NM_001406788.1, NM_001406789.1 and 1 more transcripts); and 2 more; short protein forms V239A, V282A, V186A, V28A.
Identifiers: ClinVar variation 3432305 (VCV003432305.1).
Genomic context (GRCh38, chr10:43,105,171, plus strand): 5'-TGTACGACGAGGACGACTCGGCGCCCACCTTCCCCGCGGGCGTCGACACCGCCAGCGCCG[T>C]GGTGGAGTTCAAGCGGAAGGAGGTGCTTGTCCGCGCGTGCTGTGGTCTACCCAGTGTCTG-3'
Protein context (NP_066124.1, residues 272-292): FPAGVDTASA[Val282Ala]VEFKRKEDTV